The following is an entry in ClinVar:

NM_004991.4(MECOM):c.3084A>C (p.Glu1028Asp)

Gene: MECOM (MDS1 and EVI1 complex locus; minus strand). Cytogenetic location: 3q26.2.
Variant type: single nucleotide variant.
Coding change: c.3084A>C on transcript NM_004991.4 (MANE Select); coding-DNA position 3084, A replaced by C.
Protein change: p.Glu1028Asp; replaces glutamic acid 1028 with aspartic acid.
Molecular consequence: missense variant.
Genome position (GRCh38, 1-based): chr3:169,093,038, T>G on the plus strand (A>C on the coding strand, the complement: MECOM is on the minus strand). VCF-style: chr3-169093038-T-G. GRCh37 (hg19) VCF-style: chr3-168810826-T-G.
Other names: c.2715A>C, p.Glu905Asp (NM_001105077.4); c.2520A>C, p.Glu840Asp (NM_001105078.4, NM_001205194.2, NM_001366469.2 and 1 more transcripts); c.2496A>C, p.Glu832Asp (NM_001163999.2, NM_001366470.2); c.2493A>C, p.Glu831Asp (NM_001164000.2, NM_001366471.2, NM_001366472.2); c.3057A>C, p.Glu1019Asp (NM_001366466.2); c.2523A>C, p.Glu841Asp (NM_001366467.2, NM_001366468.2); c.2085A>C, p.Glu695Asp (NM_001366473.2); c.1521A>C, p.Glu507Asp (NM_001366474.2); short protein forms E1019D, E507D, E695D, E840D, E905D, E1028D, E831D, E832D.
Identifiers: ClinVar variation 5024192 (VCV005024192.1).

ClinVar aggregate classification (germline): Uncertain significance (1 of 4 stars; one submission).

Conditions:
Inborn genetic diseases. Identifiers: MedGen C0950123, MeSH D030342.

gnomAD v4.1: 5 of 1,613,792 alleles (0.00031%); highest among the groups gnomAD compares: African/African-American, 0.0013%; no homozygotes.

Submission:

Ambry Genetics
Classification: Uncertain significance for Inborn genetic diseases. Last evaluated: 2026-08-20. Review status: criteria provided, single submitter. Criteria: Ambry Variant Classification Scheme 2023. Collection method: clinical testing. Allele origin: germline.
Comment: The p.E1028D variant (also known as c.3084A>C), located in coding exon 14 of the MECOM gene, results from an A to C substitution at nucleotide position 3084. The glutamic acid at codon 1028 is replaced by aspartic acid, an amino acid with highly similar properties. This amino acid position is conserved. In addition, this alteration is predicted to be tolerated by in silico analysis. Based on the available evidence, the clinical significance of this variant remains unclear.